The following is an entry in ClinVar:

NM_000632.4(ITGAM):c.1674C>T (p.Thr558=)

Gene: ITGAM (integrin subunit alpha M; plus strand). Cytogenetic location: 16p11.2.
Variant type: single nucleotide variant.
Coding change: c.1674C>T on transcript NM_000632.4 (MANE Select); coding-DNA position 1674, C replaced by T.
Protein change: p.Thr558=; no amino-acid change (threonine 558 retained).
Molecular consequence: synonymous variant.
Genome position (GRCh38, 1-based): chr16:31,297,921, C>T. VCF-style: chr16-31297921-C-T. GRCh37 (hg19) VCF-style: chr16-31309242-C-T.
Other names: c.1677C>T, p.Thr559= (NM_001145808.2); c.1674C>T (NM_000632.3).
Identifiers: ClinVar variation 1960508 (VCV001960508.7), dbSNP rs752846498, ClinGen allele CA8025622.
Genomic context (GRCh38, chr16:31,297,921, plus strand): 5'-GGCCATTGGGGCCCCAGGAGAGGAGGACAACCGGGGTGCTGTTTACCTGTTTCACGGAAC[C>T]TCAGGATCTGGCATCAGCCCCTCCCATAGCCAGGTGAGACCTGGTCACTGTCCTTGTCAT-3'
Protein context (NP_000623.2, residues 548-568): NRGAVYLFHG[Thr558=]SGSGISPSHS

ClinVar aggregate classification (germline): Likely benign. Review status: criteria provided, single submitter (1 of 4 stars). 2 submissions from 2 submitters: Likely benign (1). 1 of the submissions does not count toward it. Last evaluated 2025-10-19.

Conditions:
ITGAM-related disorder. Also called: ITGAM-related condition.

Allele frequency attached by ClinVar (database versions not stated): ExAC 0.00007; gnomAD exomes 0.00003.
gnomAD v4.1: 49 of 1,613,850 alleles (0.003%); highest among the groups gnomAD compares: South Asian, 0.049%; 1 homozygote.

Submissions (2):

Labcorp Genetics (formerly Invitae), Labcorp
Classification: Likely benign. Last evaluated: 2025-10-19. Review status: criteria provided, single submitter. Criteria: Invitae Variant Classification Sherloc (09022015). Collection method: clinical testing. Allele origin: germline.

PreventionGenetics, part of Exact Sciences
Classification: Likely benign for ITGAM-related condition. Last evaluated: 2019-04-08. Review status: no assertion criteria provided. Collection method: clinical testing. Allele origin: germline. Not counted in ClinVar's aggregate classification.
Comment: This variant is classified as likely benign based on ACMG/AMP sequence variant interpretation guidelines (Richards et al. 2015 PMID: 25741868, with internal and published modifications).